The following is an entry in ClinVar:

NM_003482.4(KMT2D):c.12730C>T (p.Gln4244Ter)

Gene: KMT2D (lysine methyltransferase 2D; minus strand). Cytogenetic location: 12q13.12.
Variant type: single nucleotide variant.
Coding change: c.12730C>T on transcript NM_003482.4 (MANE Select); coding-DNA position 12730, C replaced by T.
Protein change: p.Gln4244Ter; replaces glutamine 4244 with a stop codon.
Molecular consequence: nonsense.
Genome position (GRCh38, 1-based): chr12:49,031,975, G>A on the plus strand (C>T on the coding strand, the complement: KMT2D is on the minus strand). VCF-style: chr12-49031975-G-A. GRCh37 (hg19) VCF-style: chr12-49425758-G-A.
Other names: short protein forms Q4244*.
Identifiers: ClinVar variation 489008 (VCV000489008.5), dbSNP rs1555187899, ClinGen allele CA384709599.

ClinVar aggregate classification (germline): Pathogenic. Review status: criteria provided, multiple submitters, no conflicts (2 of 4 stars). 3 submissions from 3 submitters: Pathogenic (3). Last evaluated 2025-09-11.

Conditions:
Primary immunodeficiency or monogenic inflammatory bowel disease.
Autism (AUTS). Also called: Autistic disorder; Autistic disorder of childhood onset. Identifiers: MedGen C0004352, MeSH D001321, MONDO:0005260, OMIM 209850, HP:0000717.

Submissions (3):

North West Genomic Laboratory Hub, Manchester University NHS Foundation Trust
Classification: Pathogenic for Primary immunodeficiency or monogenic inflammatory bowel disease. Last evaluated: 2025-09-11. Review status: criteria provided, single submitter. Criteria: ACGS Best Practice Guidelines for Variant Classification in Rare Disease 2024. Collection method: clinical testing. Allele origin: germline. Affected: yes.
Comment: PVS1_VStr PM2_Mod

GeneDx
Classification: Pathogenic. Last evaluated: 2025-06-23. Review status: criteria provided, single submitter. Criteria: GeneDx Variant Classification Process June 2021. Collection method: clinical testing. Allele origin: germline. Affected: yes.
Comment: Nonsense variant predicted to result in protein truncation or nonsense mediated decay in a gene for which loss of function is a known mechanism of disease; Not observed at significant frequency in large population cohorts (gnomAD); This variant is associated with the following publications: (PMID: 33057194, 35982159)

Clinical Genetics Laboratory, Skane University Hospital Lund
Classification: Pathogenic for Autism. Last evaluated: 2025-03-07. Review status: criteria provided, single submitter. Criteria: ACMG Guidelines, 2015. Collection method: clinical testing. Allele origin: de novo. Inheritance: Autosomal dominant inheritance. Affected: yes.
Comment: PVS1, PS2, PM2